The following is an entry in ClinVar:

ClinVar aggregate classification (germline): Uncertain significance (1 of 4 stars; one submission).

Conditions:
Malignant hyperthermia, susceptibility to, 1 (MHS1). Also called: Anesthesia related hyperthermia; Malignant hyperpyrexia; Fulminating hyperpyrexia; Pharmacogenic myopathy; RYR1-Related Malignant Hyperthermia Susceptibility; Malignant hyperthermia suceptibility 1. Identifiers: Orphanet 423, MedGen C2930980, MONDO:0007783, OMIM 145600.

gnomAD v4.1: 3 of 1,613,920 alleles (0.00019%); highest among the groups gnomAD compares: African/African-American, 0.0027%; no homozygotes.

Submission:

All of Us Research Program, National Institutes of Health
Classification: Uncertain significance for Malignant hyperthermia, susceptibility to, 1. Last evaluated: 2024-08-06. Review status: criteria provided, single submitter. Criteria: ACMG Guidelines, 2015. Collection method: clinical testing. Allele origin: germline. Inheritance: Autosomal dominant inheritance. Observed: 1 variant allele, 1 heterozygote.
Comment: This study involves interpretation of variants in research participants for the purpose of population health screening. Participant phenotype was not available at the time of variant classification. Additional details can be found in publication PMID: 35346344, PMCID: PMC8962531

NM_000540.3(RYR1):c.1664C>A (p.Ala555Asp)

Gene: RYR1 (ryanodine receptor 1; plus strand). Cytogenetic location: 19q13.2.
Variant type: single nucleotide variant.
Coding change: c.1664C>A on transcript NM_000540.3 (MANE Select); coding-DNA position 1664, C replaced by A.
Protein change: p.Ala555Asp; replaces alanine 555 with aspartic acid.
Molecular consequence: missense variant.
Genome position (GRCh38, 1-based): chr19:38,455,538, C>A. VCF-style: chr19-38455538-C-A. GRCh37 (hg19) VCF-style: chr19-38946178-C-A.
Other names: c.1664C>A, p.Ala555Asp (NM_001042723.2); short protein forms A555D.
Identifiers: ClinVar variation 3387653 (VCV003387653.1).